The following is an entry in ClinVar:

ClinVar aggregate classification (germline): Likely pathogenic (1 of 4 stars; one submission).

Conditions:
Seckel syndrome 4 (SCKL4). Identifiers: Orphanet 808, MedGen C3888212, MONDO:0013358, OMIM 613676.

Submission:

3billion
Classification: Likely pathogenic for Seckel syndrome 4. Last evaluated: 2024-11-30. Review status: criteria provided, single submitter. Criteria: ACMG Guidelines, 2015. Collection method: clinical testing. Allele origin: germline. Affected: yes.
Comment: The variant is not observed in the gnomAD v4.1.0 dataset. Predicted Consequence/Location: Inframe deletion located in a nonrepeat region: predicted to change the length of the protein and disrupt normal protein function. In silico tools predict the variant to alter splicing and produce an abnormal transcript [SpliceAI: 0.57 (spliceogenicity >=0.2, non-spliceogenicity <0.1)]. The variant has been reported to be in trans with a pathogenic variant as either compound heterozygous or homozygous in at least one similarly affected unrelated individual (3billion dataset). Therefore, this variant is classified as Likely pathogenic according to the recommendation of ACMG/AMP guideline.

NM_018451.5(CPAP):c.3256_3261del (p.Gly1086_Thr1087del)

Gene: CPAP (centrosome assembly and centriole elongation protein; minus strand). Cytogenetic location: 13q12.12.
Variant type: Deletion.
Coding change: c.3256_3261del on transcript NM_018451.5 (MANE Select); coding-DNA positions 3256 to 3261, 6 bases deleted (GGAACC; older notation c.3256_3261delGGAACC).
Protein change: p.Gly1086_Thr1087del.
Molecular consequence: inframe deletion. On other transcripts: non-coding transcript variant (1).
Genome position (GRCh38, 1-based): chr13:24,889,356-24,889,361, GGTTCC deleted on the plus strand (GGAACC on the coding strand, the reverse complement: CPAP is on the minus strand). VCF-style (leftmost placement, unchanged base first): chr13-24889355-GGGTTCC-G. GRCh37 (hg19) VCF-style: chr13-25463493-GGGTTCC-G.
Identifiers: ClinVar variation 4293412 (VCV004293412.1).